The following is an entry in ClinVar:

NM_001859.4(SLC31A1):c.236T>C (p.Leu79Pro)

Gene: SLC31A1 (solute carrier family 31 member 1; plus strand). Cytogenetic location: 9q32.
Variant type: single nucleotide variant.
Coding change: c.236T>C on transcript NM_001859.4 (MANE Select); coding-DNA position 236, T replaced by C.
Protein change: p.Leu79Pro; replaces leucine 79 with proline.
Molecular consequence: missense variant.
Genome position (GRCh38, 1-based): chr9:113,258,727, T>C. VCF-style: chr9-113258727-T-C. GRCh37 (hg19) VCF-style: chr9-116021007-T-C.
Other names: short protein forms L79P.
Identifiers: ClinVar variation 1722767 (VCV001722767.2), dbSNP rs2490727959, ClinGen allele CA374543876.

ClinVar aggregate classification (germline): Likely pathogenic. Review status: criteria provided, single submitter (1 of 4 stars). 2 submissions from 2 submitters: Likely pathogenic (1). 1 of the submissions does not count toward it. Last evaluated 2022-11-09.

Conditions:
Neurodegeneration and seizures due to copper transport defect (NSCT). Identifiers: MedGen C5830385, MONDO:0957211, OMIM 620306.

Submissions (2):

Institute for Medical Genetics and Human Genetics, Charité - Universitätsmedizin Berlin
Classification: Likely pathogenic. Last evaluated: 2022-11-09. Review status: criteria provided, single submitter. Criteria: ACMG. Collection method: clinical testing. Allele origin: biparental. Inheritance: Autosomal recessive inheritance. Affected: yes. Observed: 1 variant allele.
Comment: PM1_sup, PP3_mod, PM2_sup, PP4_mod

OMIM
Classification: Pathogenic for NEURODEGENERATION AND SEIZURES DUE TO COPPER TRANSPORT DEFECT. Last evaluated: 2023-04-17. Review status: no assertion criteria provided. Collection method: literature only. Allele origin: germline. Not counted in ClinVar's aggregate classification.

Literature cited by the submitters: PubMed 36562171 (cited by OMIM).